The following is an entry in ClinVar:

ClinVar aggregate classification (germline): Likely pathogenic (1 of 4 stars; one submission).

Submission:

Athena Diagnostics
Classification: Likely pathogenic. Last evaluated: 2022-05-27. Review status: criteria provided, single submitter. Criteria: Athena Diagnostics Criteria. Collection method: clinical testing. Allele origin: unknown.
Comment: This variant is expected to result in the loss of a functional protein. The frequency of this variant in the general population is consistent with pathogenicity.

NM_014625.4(NPHS2):c.264del (p.Glu90fs)

Gene: NPHS2 (NPHS2 stomatin family member, podocin; minus strand). Cytogenetic location: 1q25.2.
Variant type: Deletion.
Coding change: c.264del on transcript NM_014625.4 (MANE Select); coding-DNA position 264, one base deleted (G; older notation c.264delG).
Protein change: p.Glu90fs; shifts the reading frame from glutamic acid 90.
Molecular consequence: frameshift variant.
Genome position (GRCh38, 1-based): chr1:179,575,601, C deleted on the plus strand (G on the coding strand, the reverse complement: NPHS2 is on the minus strand); the first of 2 consecutive C bases (chr1:179,575,601-179,575,602); deleting either gives the same sequence. VCF-style (leftmost placement, unchanged base first): chr1-179575600-GC-G. GRCh37 (hg19) VCF-style: chr1-179544735-GC-G.
Other names: c.264del, p.Glu90fs (NM_001297575.2); c.263delG, p.Glu90Argfs (NM_014625.3); short protein forms E90fs.
Identifiers: ClinVar variation 1806993 (VCV001806993.1), dbSNP rs761298708, ClinGen allele CA1267286.